The following is an entry in ClinVar:

NM_001267550.2(TTN):c.93254C>T (p.Pro31085Leu)

Genes: TTN (titin; minus strand), TTN-AS1 (TTN antisense RNA 1; plus strand). Cytogenetic location: 2q31.2.
Variant type: single nucleotide variant.
Coding change: c.93254C>T on transcript NM_001267550.2 (MANE Select); coding-DNA position 93254, C replaced by T.
Protein change: p.Pro31085Leu; replaces proline 31085 with leucine.
Molecular consequence: missense variant.
Genome position (GRCh38, 1-based): chr2:178,548,372, G>A on the plus strand (C>T on the coding strand, the complement: TTN is on the minus strand). VCF-style: chr2-178548372-G-A. GRCh37 (hg19) VCF-style: chr2-179413099-G-A.
Other names: c.88331C>T, p.Pro29444Leu (NM_001256850.1); c.66059C>T, p.Pro22020Leu (NM_003319.4); c.85550C>T, p.Pro28517Leu (NM_133378.4); c.66434C>T, p.Pro22145Leu (NM_133432.3); c.66635C>T, p.Pro22212Leu (NM_133437.4); short protein forms P31085L, P28517L, P22145L, P22020L, P22212L, P29444L.
Identifiers: ClinVar variation 467651 (VCV000467651.24), dbSNP rs549841864, ClinGen allele CA1987332.

ClinVar aggregate classification (germline): Conflicting classifications of pathogenicity. Review status: criteria provided, conflicting classifications (1 of 4 stars). 6 submissions from 6 submitters: Uncertain significance (2); Likely benign (4). Last evaluated 2026-01-16.

Conditions:
Cardiovascular phenotype. Identifiers: MedGen CN230736.
TTN-related disorder. Also called: TTN-related disorders; TTN-related condition; TTN-related disease.
Dilated cardiomyopathy 1G (CMD1G). Identifiers: Orphanet 154, MedGen C1858763, MONDO:0011400, OMIM 604145.
Autosomal recessive limb-girdle muscular dystrophy type 2J (LGMDR10). Also called: Limb-girdle muscular dystrophy, type 2J; MUSCULAR DYSTROPHY, LIMB-GIRDLE, AUTOSOMAL RECESSIVE 10. Identifiers: Orphanet 140922, MedGen C1837342, MONDO:0012127, OMIM 608807.
Early-onset myopathy with fatal cardiomyopathy (CMYO5). Also called: CONGENITAL MYOPATHY 5 WITH CARDIOMYOPATHY; Salih Myopathy. Identifiers: Orphanet 289377, MedGen C2673677, MONDO:0012714, OMIM 611705. Disease mechanism: loss of function.
Tibial muscular dystrophy (TMD). Also called: Udd Distal Myopathy – Tibial Muscular Dystrophy; Tibial muscular dystrophy, tardive; UDD MYOPATHY. Identifiers: Orphanet 609, MedGen C1838244, MONDO:0010870, OMIM 600334.
Hypertrophic cardiomyopathy 9. Also called: Familial hypertrophic cardiomyopathy 9. Identifiers: MedGen C1861065, MONDO:0013412, OMIM 613765.
Myopathy, myofibrillar, 9, with early respiratory failure (MFM9). Also called: EDSTROM MYOPATHY; MYOPATHY, PROXIMAL, WITH EARLY RESPIRATORY MUSCLE INVOLVEMENT; Hereditary myopathy with early respiratory failure; Myopathy, distal, with early respiratory failure, autosomal dominant. Identifiers: Orphanet 178464, Orphanet 34521, MedGen C1863599, MONDO:0011362, OMIM 603689.

Allele frequency attached by ClinVar (database versions not stated): gnomAD 0.00006 and 0.00011; gnomAD exomes 0.00007 and 0.00014; TOPMed 0.00013; ExAC 0.00014; 1000 Genomes Project 0.00020; 1000 Genomes Project 30x 0.00062.
gnomAD v4.1: 118 of 1,613,796 alleles (0.0073%); highest among the groups gnomAD compares: East Asian, 0.17%; no homozygotes.

Submissions (6):

Labcorp Genetics (formerly Invitae), Labcorp
Classification: Likely benign for Dilated cardiomyopathy 1G; Autosomal recessive limb-girdle muscular dystrophy type 2J. Last evaluated: 2026-01-16. Review status: criteria provided, single submitter. Criteria: Invitae Variant Classification Sherloc (09022015). Collection method: clinical testing. Allele origin: germline.

PreventionGenetics, part of Exact Sciences
Classification: Likely benign for TTN-related condition. Last evaluated: 2025-06-13. Review status: criteria provided, single submitter. Criteria: ACMG Guidelines, 2015. Collection method: clinical testing. Allele origin: germline.
Comment: This variant is classified as likely benign based on ACMG/AMP sequence variant interpretation guidelines (Richards et al. 2015 PMID: 25741868, with internal and published modifications).

Blueprint Genetics
Classification: Likely benign. Last evaluated: 2024-11-11. Review status: criteria provided, single submitter. Criteria: ACMG Guidelines, 2015. Collection method: clinical testing. Allele origin: germline.

Ambry Genetics
Classification: Likely benign for Cardiovascular phenotype. Last evaluated: 2018-12-03. Review status: criteria provided, single submitter. Criteria: Ambry Variant Classification Scheme 2023. Collection method: clinical testing. Allele origin: germline.

Eurofins Ntd Llc (ga)
Classification: Uncertain significance. Last evaluated: 2018-06-19. Review status: criteria provided, single submitter. Criteria: EGL ClinVar v180209 classification definitions. Collection method: clinical testing. Allele origin: germline. Observed: 3 variant alleles, 3 heterozygotes.

Juno Genomics, Hangzhou Juno Genomics, Inc
Classification: Uncertain significance for Tibial muscular dystrophy; Early-onset myopathy with fatal cardiomyopathy; Dilated cardiomyopathy 1G; Hypertrophic cardiomyopathy 9; Autosomal recessive limb-girdle muscular dystrophy type 2J; Myopathy, myofibrillar, 9, with early respiratory failure. Review status: criteria provided, single submitter. Criteria: ACMG Guidelines, 2015. Collection method: clinical testing. Allele origin: germline.
Comment: Absent from controls (or at extremely low frequency if recessive) in Genome Aggregation Database.;Missense variant in a gene that has a low rate of benign missense variation.